The following is an entry in ClinVar:

NM_000038.6(APC):c.3885del (p.Ala1296fs)

Gene: APC (APC regulator of Wnt signaling pathway; plus strand). Cytogenetic location: 5q22.2.
Variant type: Deletion.
Coding change: c.3885del on transcript NM_000038.6 (MANE Select); coding-DNA position 3885, one base deleted (A; older notation c.3885delA).
Protein change: p.Ala1296fs; shifts the reading frame from alanine 1296.
Molecular consequence: frameshift variant.
Genome position (GRCh38, 1-based): chr5:112,839,479, A deleted; the last of 2 consecutive A bases (chr5:112,839,478-112,839,479); deleting either gives the same sequence. VCF-style (leftmost placement, unchanged base first): chr5-112839477-GA-G. GRCh37 (hg19) VCF-style: chr5-112175174-GA-G.
Other names: c.3885del, p.Ala1296fs (NM_001127510.3, NM_001354895.2); c.3831del, p.Ala1278fs (NM_001127511.3); c.3939del, p.Ala1314fs (NM_001354896.2); c.3915del, p.Ala1306fs (NM_001354897.2); c.3810del, p.Ala1271fs (NM_001354898.2); c.3801del, p.Ala1268fs (NM_001354899.2); c.3762del, p.Ala1255fs (NM_001354900.2); c.3708del, p.Ala1237fs (NM_001354901.2); and 5 more; short protein forms A1013fs, A1136fs, A1170fs, A1195fs, A1205fs, A1237fs, A1255fs, A1268fs.
Identifiers: ClinVar variation 1683762 (VCV001683762.2), dbSNP rs2149901242, ClinGen allele CA445963800.

ClinVar aggregate classification (germline): Likely pathogenic (1 of 4 stars; one submission).

Conditions:
Familial adenomatous polyposis 1 (FAP1). Also called: FAMILIAL ADENOMATOUS POLYPOSIS 1, ATTENUATED; POLYPOSIS, ADENOMATOUS INTESTINAL. Identifiers: MedGen C2713442, MONDO:0021056, OMIM 175100. Disease mechanism: loss of function.

Submission:

Laboratorio de Genetica e Diagnostico Molecular, Hospital Israelita Albert Einstein
Classification: Likely pathogenic for Familial adenomatous polyposis 1. Last evaluated: 2021-11-08. Review status: criteria provided, single submitter. Criteria: ACMG Guidelines, 2015. Collection method: clinical testing. Allele origin: germline. Affected: yes.
Comment: ACMG classification criteria: PVS1 strong, PS4 supporting, PM2 moderate